The following is an entry in ClinVar:

ClinVar aggregate classification (germline): Uncertain significance (1 of 4 stars; one submission).

Conditions:
Mosaic variegated aneuploidy syndrome 1 (MVA1). Also called: Warburton-Anyane-Yeboa syndrome. Identifiers: Orphanet 1052, MedGen C1850343, MONDO:0009759, OMIM 257300.

Allele frequency attached by ClinVar (database versions not stated): ExAC 0.00001; gnomAD exomes 0.00001.
gnomAD v4.1: 15 of 1,614,150 alleles (0.00093%); highest among the groups gnomAD compares: Non-Finnish European, 0.0013%; no homozygotes.

Submission:

Labcorp Genetics (formerly Invitae), Labcorp
Classification: Uncertain significance for Mosaic variegated aneuploidy syndrome 1. Last evaluated: 2021-08-31. Review status: criteria provided, single submitter. Criteria: Invitae Variant Classification Sherloc (09022015). Collection method: clinical testing. Allele origin: germline.
Comment: In summary, the available evidence is currently insufficient to determine the role of this variant in disease. Therefore, it has been classified as a Variant of Uncertain Significance. Algorithms developed to predict the effect of missense changes on protein structure and function are either unavailable or do not agree on the potential impact of this missense change (SIFT: "Tolerated"; PolyPhen-2: "Probably Damaging"; Align-GVGD: "Class C0"). This variant has not been reported in the literature in individuals affected with BUB1B-related conditions. This variant is present in population databases (rs768901850, ExAC 0.001%). This sequence change replaces aspartic acid with glycine at codon 276 of the BUB1B protein (p.Asp276Gly). The aspartic acid residue is highly conserved and there is a moderate physicochemical difference between aspartic acid and glycine.

NM_001211.6(BUB1B):c.827A>G (p.Asp276Gly)

Gene: BUB1B (BUB1 mitotic checkpoint serine/threonine kinase B; plus strand). Cytogenetic location: 15q15.1.
Variant type: single nucleotide variant.
Coding change: c.827A>G on transcript NM_001211.6 (MANE Select); coding-DNA position 827, A replaced by G.
Protein change: p.Asp276Gly; replaces aspartic acid 276 with glycine.
Molecular consequence: missense variant.
Genome position (GRCh38, 1-based): chr15:40,185,240, A>G. VCF-style: chr15-40185240-A-G. GRCh37 (hg19) VCF-style: chr15-40477441-A-G.
Other names: short protein forms D276G.
Identifiers: ClinVar variation 1442271 (VCV001442271.6), dbSNP rs768901850, ClinGen allele CA7475576.
Genomic context (GRCh38, chr15:40,185,240, plus strand): 5'-GAGGACTCCAAAATCCATTTCCTCAACAGATGCAAAATAATAGTAGAATTACTGTTTTTG[A>G]TGAAAATGCTGATGAGGCTTCTACAGCAGAGTTGTCTAAGCCTACAGTCCAGCCATGGAT-3'
Protein context (NP_001202.5, residues 266-286): MQNNSRITVF[Asp276Gly]ENADEASTAE